The following is an entry in ClinVar:

ClinVar aggregate classification (germline): Conflicting classifications of pathogenicity. Review status: criteria provided, conflicting classifications (1 of 4 stars). 7 submissions from 7 submitters: Uncertain significance (5); Likely benign (2). Last evaluated 2026-02-11.

Conditions:
Hereditary cancer-predisposing syndrome. Also called: Hereditary Cancer Syndrome; Tumor predisposition; Hereditary neoplastic syndrome; Neoplastic Syndromes, Hereditary. Identifiers: Orphanet 140162, MedGen C0027672, MeSH D009386, MONDO:0015356.
Tuberous sclerosis syndrome (TSC). Also called: Tuberous Sclerosis Complex; Tuberous sclerosis. Identifiers: Orphanet 805, MedGen C0041341, MONDO:0001734.
Tuberous sclerosis 2 (TSC2). Identifiers: Orphanet 805, MedGen C1860707, MONDO:0013199, OMIM 613254.

Allele frequency attached by ClinVar (database versions not stated): gnomAD 0.00001; TOPMed 0.00001; gnomAD exomes 0.00002 and below 0.00001.

Submissions (7):

St. Jude Molecular Pathology, St. Jude Children's Research Hospital
Classification: Uncertain significance for Tuberous sclerosis 2. Last evaluated: 2026-02-11. Review status: criteria provided, single submitter. Criteria: St. Jude Assertion Criteria 2020. Collection method: clinical testing. Allele origin: germline.
Comment: The TSC2 c.2357G>A p.(Arg786His) missense change has a maximum subpopulation frequency of 0.003% in gnomAD v2.1.1. The in silico tool REVEL predicts a deleterious effect on protein function, but to our knowledge this prediction has not been confirmed by functional studies. To our knowledge, this variant has not been reported in individuals with tuberous sclerosis complex. In summary, the evidence currently available is insufficient to determine the clinical significance of this variant. It has therefore been classified as of uncertain significance.

Ambry Genetics
Classification: Likely benign for Hereditary cancer-predisposing syndrome. Last evaluated: 2026-01-27. Review status: criteria provided, single submitter. Criteria: Ambry Variant Classification Scheme 2023. Collection method: clinical testing. Allele origin: germline.

Dasa
Classification: Uncertain significance for Tuberous sclerosis 2. Last evaluated: 2025-12-20. Review status: criteria provided, single submitter. Criteria: DASA Assertion Criteria. Collection method: clinical testing. Allele origin: germline.
Comment: NM_000548.5(TSC2):c.2357G>A (p.Arg786His) is a missense variant that results in the substitution of arginine with histidine. This variant is rare in population databases. Computational prediction algorithms are consistent with a deleterious effect. The currently available literature and clinical evidence are not sufficient to establish a definitive association between this variant and the reported condition. Therefore, this variant is classified as a variant of uncertain significance.

Labcorp Genetics (formerly Invitae), Labcorp
Classification: Likely benign for Tuberous sclerosis 2. Last evaluated: 2025-09-27. Review status: criteria provided, single submitter. Criteria: Invitae Variant Classification Sherloc (09022015). Collection method: clinical testing. Allele origin: germline.

Color Diagnostics, LLC DBA Color Health
Classification: Uncertain significance for Tuberous sclerosis syndrome. Last evaluated: 2025-05-13. Review status: criteria provided, single submitter. Criteria: ACMG Guidelines, 2015. Collection method: clinical testing. Allele origin: germline.
Comment: This missense variant replaces arginine with histidine at codon 786 of the TSC2 protein. Computational prediction suggests that this variant may have deleterious impact on protein structure and function. To our knowledge, functional studies have not been reported for this variant. This variant has not been reported in individuals affected with TSC2-related disorders in the literature. This variant has been identified in 1/248344 chromosomes in the general population by the Genome Aggregation Database (gnomAD). The available evidence is insufficient to determine the role of this variant in disease conclusively. Therefore, this variant is classified as a Variant of Uncertain Significance.

GeneDx
Classification: Uncertain significance. Last evaluated: 2024-03-06. Review status: criteria provided, single submitter. Criteria: GeneDx Variant Classification Process June 2021. Collection method: clinical testing. Allele origin: germline. Affected: yes.
Comment: In silico analysis supports that this missense variant does not alter protein structure/function; Observed in a patient with renal cell carcinoma (PMID: 35441217); This variant is associated with the following publications: (PMID: 35441217)

Genome-Nilou Lab
Classification: Uncertain significance for Tuberous sclerosis 2. Last evaluated: 2021-11-07. Review status: criteria provided, single submitter. Criteria: ACMG Guidelines, 2015. Collection method: clinical testing. Allele origin: germline. Affected: no.

Literature cited by the submitters: PubMed 28518168 (cited by Ambry Genetics); PubMed 32461654 (cited by Ambry Genetics).

NM_000548.5(TSC2):c.2357G>A (p.Arg786His)

Gene: TSC2 (TSC complex subunit 2; plus strand). Cytogenetic location: 16p13.3.
Variant type: single nucleotide variant.
Coding change: c.2357G>A on transcript NM_000548.5 (MANE Select); coding-DNA position 2357, G replaced by A.
Protein change: p.Arg786His; replaces arginine 786 with histidine.
Molecular consequence: missense variant.
Genome position (GRCh38, 1-based): chr16:2,074,201, G>A. VCF-style: chr16-2074201-G-A. GRCh37 (hg19) VCF-style: chr16-2124202-G-A.
Other names: p.R786H:CGC>CAC; c.2357G>A, p.Arg786His (NM_001077183.3, NM_001114382.3, NM_001363528.2 and 3 more transcripts); c.2246G>A, p.Arg749His (NM_001318827.2); c.2210G>A, p.Arg737His (NM_001318829.2); c.1757G>A, p.Arg586His (NM_001318831.2); c.2390G>A, p.Arg797His (NM_001318832.2); short protein forms R786H, R749H, R586H, R797H, R737H.
Identifiers: ClinVar variation 207782 (VCV000207782.23), dbSNP rs796053511, ClinGen allele CA319589.